The following is an entry in ClinVar:

NM_000038.6(APC):c.8430T>A (p.Asn2810Lys)

Gene: APC (APC regulator of Wnt signaling pathway; plus strand). Cytogenetic location: 5q22.2.
Variant type: single nucleotide variant.
Coding change: c.8430T>A on transcript NM_000038.6 (MANE Select); coding-DNA position 8430, T replaced by A.
Protein change: p.Asn2810Lys; replaces asparagine 2810 with lysine.
Molecular consequence: missense variant.
Genome position (GRCh38, 1-based): chr5:112,844,024, T>A. VCF-style: chr5-112844024-T-A. GRCh37 (hg19) VCF-style: chr5-112179721-T-A.
Other names: c.8430T>A, p.Asn2810Lys (NM_001127510.3, NM_001354895.2); c.8376T>A, p.Asn2792Lys (NM_001127511.3); c.8484T>A, p.Asn2828Lys (NM_001354896.2); c.8460T>A, p.Asn2820Lys (NM_001354897.2); c.8355T>A, p.Asn2785Lys (NM_001354898.2); c.8346T>A, p.Asn2782Lys (NM_001354899.2); c.8307T>A, p.Asn2769Lys (NM_001354900.2); c.8253T>A, p.Asn2751Lys (NM_001354901.2); and 5 more; short protein forms N2792K, N2810K, N2650K, N2751K, N2684K, N2769K, N2782K, N2828K.
Identifiers: ClinVar variation 411493 (VCV000411493.20), dbSNP rs1057522374, ClinGen allele CA16039619.

ClinVar aggregate classification (germline): Uncertain significance. Review status: criteria provided, multiple submitters, no conflicts (2 of 4 stars). 6 submissions from 6 submitters: Uncertain significance (6). Last evaluated 2025-05-18.

Conditions:
Hereditary cancer-predisposing syndrome. Also called: Tumor predisposition; Hereditary Cancer Syndrome; Hereditary neoplastic syndrome; Neoplastic Syndromes, Hereditary. Identifiers: Orphanet 140162, MedGen C0027672, MeSH D009386, MONDO:0015356.
Familial adenomatous polyposis 1 (FAP1). Also called: FAMILIAL ADENOMATOUS POLYPOSIS 1, ATTENUATED; POLYPOSIS, ADENOMATOUS INTESTINAL. Identifiers: MedGen C2713442, MONDO:0021056, OMIM 175100. Disease mechanism: loss of function.
Classic or attenuated familial adenomatous polyposis. Identifiers: MedGen CN372698, MONDO:0021057.

Submissions (6):

Labcorp Genetics (formerly Invitae), Labcorp
Classification: Uncertain significance for Familial adenomatous polyposis 1. Last evaluated: 2025-05-18. Review status: criteria provided, single submitter. Criteria: Invitae Variant Classification Sherloc (09022015). Collection method: clinical testing. Allele origin: germline.
Comment: This sequence change replaces asparagine, which is neutral and polar, with lysine, which is basic and polar, at codon 2810 of the APC protein (p.Asn2810Lys). This variant is not present in population databases (gnomAD no frequency). This variant has not been reported in the literature in individuals affected with APC-related conditions. ClinVar contains an entry for this variant (Variation ID: 411493). Invitae Evidence Modeling of protein sequence and biophysical properties (such as structural, functional, and spatial information, amino acid conservation, physicochemical variation, residue mobility, and thermodynamic stability) indicates that this missense variant is not expected to disrupt APC protein function with a negative predictive value of 95%. In summary, the available evidence is currently insufficient to determine the role of this variant in disease. Therefore, it has been classified as a Variant of Uncertain Significance.

Ambry Genetics
Classification: Uncertain significance for Hereditary cancer-predisposing syndrome. Last evaluated: 2024-11-08. Review status: criteria provided, single submitter. Criteria: Ambry Variant Classification Scheme 2023. Collection method: clinical testing. Allele origin: germline.
Comment: The p.N2810K variant (also known as c.8430T>A), located in coding exon 15 of the APC gene, results from a T to A substitution at nucleotide position 8430. The asparagine at codon 2810 is replaced by lysine, an amino acid with similar properties. This alteration has been reported in a cohort of 85 Colombian breast and/or ovarian cancer patients and was called a variant of unknown significance (Cock-Rada AM et al. Fam. Cancer, 2018 01;17:23-30). Missense alterations in APC are not a common cause of disease (Spier I et al. Genet Med. 2024 Feb;26(2):100992). This amino acid position is not well conserved in available vertebrate species. In addition, in silico predictors for this gene do not accurately predict pathogenicity. Since supporting evidence is limited at this time, the clinical significance of this alteration remains unclear.

Color Diagnostics, LLC DBA Color Health
Classification: Uncertain significance for Hereditary cancer-predisposing syndrome. Last evaluated: 2023-08-28. Review status: criteria provided, single submitter. Criteria: ACMG Guidelines, 2015. Collection method: clinical testing. Allele origin: germline.
Comment: This variant is located in the APC protein. Computational prediction suggests that this variant may not impact protein structure and function (internally defined REVEL score threshold <= 0.5, PMID: 27666373). To our knowledge, functional studies have not been reported for this variant. This variant has been reported in an individual affected with breast and/or ovarian cancer (PMID: 28528518). This variant has not been identified in the general population by the Genome Aggregation Database (gnomAD). The available evidence is insufficient to determine the role of this variant in disease conclusively. Therefore, this variant is classified as a Variant of Uncertain Significance.

All of Us Research Program, National Institutes of Health
Classification: Uncertain significance for Classic or attenuated familial adenomatous polyposis. Last evaluated: 2023-08-08. Review status: criteria provided, single submitter. Criteria: ACMG Guidelines, 2015. Collection method: clinical testing. Allele origin: germline. Inheritance: Autosomal dominant inheritance. Observed: 1 variant allele, 1 heterozygote.
Comment: This study involves interpretation of variants in research participants for the purpose of population health screening. Participant phenotype was not available at the time of variant classification. Additional details can be found in publication PMID: 35346344, PMCID: PMC8962531

Baylor Genetics
Classification: Uncertain significance for Familial adenomatous polyposis 1. Last evaluated: 2023-07-21. Review status: criteria provided, single submitter. Criteria: ACMG Guidelines, 2015. Collection method: clinical testing. Allele origin: unknown.

Mendelics
Classification: Uncertain significance for Familial adenomatous polyposis 1. Last evaluated: 2019-05-28. Review status: criteria provided, single submitter. Criteria: Mendelics Assertion Criteria 2017. Collection method: clinical testing. Allele origin: unknown.

Literature cited by the submitters: PubMed 28528518 (cited by Ambry Genetics and Color Diagnostics, LLC DBA Color Health).